The following is an entry in ClinVar:

ClinVar aggregate classification (germline): Benign/Likely benign. Review status: criteria provided, multiple submitters, no conflicts (2 of 4 stars). 3 submissions from 3 submitters: Benign (1); Likely benign (1). 1 of the submissions does not count toward it. Last evaluated 2025-12-19.

Conditions:
TRIM8-related disorder. Also called: TRIM8-related condition.

Allele frequency attached by ClinVar (database versions not stated): gnomAD 0.00005; ExAC 0.00007; TOPMed 0.00007.
gnomAD v4.1: 115 of 1,614,042 alleles (0.0071%); highest among the groups gnomAD compares: Middle Eastern, 0.049%; 1 homozygote.

Submissions (3):

Labcorp Genetics (formerly Invitae), Labcorp
Classification: Benign. Last evaluated: 2025-12-19. Review status: criteria provided, single submitter. Criteria: Invitae Variant Classification Sherloc (09022015). Collection method: clinical testing. Allele origin: germline.

Blueprint Genetics
Classification: Likely benign. Last evaluated: 2023-04-03. Review status: criteria provided, single submitter. Criteria: ACMG Guidelines, 2015. Collection method: clinical testing. Allele origin: germline.

PreventionGenetics, part of Exact Sciences
Classification: Likely benign for TRIM8-related condition. Last evaluated: 2023-10-26. Review status: no assertion criteria provided. Collection method: clinical testing. Allele origin: germline. Not counted in ClinVar's aggregate classification.
Comment: This variant is classified as likely benign based on ACMG/AMP sequence variant interpretation guidelines (Richards et al. 2015 PMID: 25741868, with internal and published modifications).

NM_030912.3(TRIM8):c.984G>A (p.Leu328=)

Gene: TRIM8 (tripartite motif containing 8; plus strand). Cytogenetic location: 10q24.32.
Variant type: single nucleotide variant.
Coding change: c.984G>A on transcript NM_030912.3 (MANE Select); coding-DNA position 984, G replaced by A.
Protein change: p.Leu328=; no amino-acid change (leucine 328 retained).
Molecular consequence: synonymous variant. On other transcripts: non-coding transcript variant (1).
Genome position (GRCh38, 1-based): chr10:102,656,321, G>A. VCF-style: chr10-102656321-G-A. GRCh37 (hg19) VCF-style: chr10-104416078-G-A.
Other names: c.888G>A, p.Leu296= (NM_001345950.1); c.984G>A (NM_030912.2).
Identifiers: ClinVar variation 2063512 (VCV002063512.7), dbSNP rs200568469, ClinGen allele CA5668233.
Genomic context (GRCh38, chr10:102,656,321, plus strand): 5'-TGCCCCCAGGACCCAGACCTGCACGAGCAGCAGCCTTTCCCCCACTAAGATCGGCCACCT[G>A]AACTCCAAGCTCTTCCTGAACGAAGTGGCCAAGAAGGAGAAGCAGCTGCGGAAAATGCTA-3'
Protein context (NP_112174.2, residues 318-338): SSLSPTKIGH[Leu328=]NSKLFLNEVA